The following is an entry in ClinVar:

ClinVar aggregate classification (germline): Uncertain significance (1 of 4 stars; one submission).

Submission:

Labcorp Genetics (formerly Invitae), Labcorp
Classification: Uncertain significance. Last evaluated: 2024-08-01. Review status: criteria provided, single submitter. Criteria: Invitae Variant Classification Sherloc (09022015). Collection method: clinical testing. Allele origin: germline.
Comment: This sequence change replaces arginine, which is basic and polar, with cysteine, which is neutral and slightly polar, at codon 491 of the TECTA protein (p.Arg491Cys). This variant is present in population databases (no rsID available, gnomAD 0.003%). This missense change has been observed in individual(s) with autosomal recessive deafness (PMID: 24130743). In at least one individual the data is consistent with being in trans (on the opposite chromosome) from a pathogenic variant. Advanced modeling of protein sequence and biophysical properties (such as structural, functional, and spatial information, amino acid conservation, physicochemical variation, residue mobility, and thermodynamic stability) performed at Invitae indicates that this missense variant is not expected to disrupt TECTA protein function with a negative predictive value of 95%. In summary, the available evidence is currently insufficient to determine the role of this variant in disease. Therefore, it has been classified as a Variant of Uncertain Significance.

Literature cited by the submitters: PubMed 24130743.

NM_005422.4(TECTA):c.1471C>T (p.Arg491Cys)

Genes: TBCEL-TECTA (TBCEL-TECTA readthrough; plus strand), TECTA (tectorin alpha; plus strand). Cytogenetic location: 11q23.3.
Variant type: single nucleotide variant.
Coding change: c.1471C>T on transcript NM_005422.4 (MANE Select); coding-DNA position 1471, C replaced by T.
Protein change: p.Arg491Cys; replaces arginine 491 with cysteine.
Molecular consequence: missense variant.
Genome position (GRCh38, 1-based): chr11:121,125,569, C>T. VCF-style: chr11-121125569-C-T. GRCh37 (hg19) VCF-style: chr11-120996278-C-T.
Other names: c.2428C>T, p.Arg810Cys (NM_001378761.1); short protein forms R491C, R810C.
Identifiers: ClinVar variation 3721104 (VCV003721104.2).
Genomic context (GRCh38, chr11:121,125,569, plus strand): 5'-GACTTCCTCCGCCCGGATGGCAGGCCGGCCATGTCTGTCCTGGATCTGGGAGAGAGCTGG[C>T]GTGTGTACCACGCAGACTGGAAGTGCGACTCCGGCTGCGTCGACAACTGCACCCAGTGCG-3'
Protein context (NP_005413.2, residues 481-501): MSVLDLGESW[Arg491Cys]VYHADWKCDS